The following is an entry in ClinVar:

NM_001754.5(RUNX1):c.1070C>G (p.Pro357Arg)

Gene: RUNX1 (RUNX family transcription factor 1; minus strand). Cytogenetic location: 21q22.12.
Variant type: single nucleotide variant.
Coding change: c.1070C>G on transcript NM_001754.5 (MANE Select); coding-DNA position 1070, C replaced by G.
Protein change: p.Pro357Arg; replaces proline 357 with arginine.
Molecular consequence: missense variant.
Genome position (GRCh38, 1-based): chr21:34,792,508, G>C on the plus strand (C>G on the coding strand, the complement: RUNX1 is on the minus strand). VCF-style: chr21-34792508-G-C. GRCh37 (hg19) VCF-style: chr21-36164805-G-C.
Other names: NM_001754.5(RUNX1):c.1070C>G; p.Pro357Arg; c.989C>G, p.Pro330Arg (NM_001001890.3); short protein forms P330R, P357R.
Identifiers: ClinVar variation 959039 (VCV000959039.10), dbSNP rs745561479, ClinGen allele CA10014210.
Genomic context (GRCh38, chr21:34,792,508, plus strand): 5'-TAGCGCGTGGCCGAGCCCATGGCCGACATGCCGATGCCGATGCCCGAGGTGACCGGCGTC[G>C]GGGAGTAGGTGAAGGCGCCTGGATAGTGCATGCGGGGGTCGGAGATGGAGGGCAGCGCGG-3'
Protein context (NP_001745.2, residues 347-367): MHYPGAFTYS[Pro357Arg]TPVTSGIGIG

ClinVar aggregate classification (germline): Uncertain significance. Review status: reviewed by expert panel (3 of 4 stars). 3 submissions from 3 submitters: Uncertain significance (1). 2 of the submissions do not count toward it. Last evaluated 2024-08-16.

Conditions:
Hereditary thrombocytopenia and hematological cancer predisposition syndrome associated with RUNX1. Also called: Familial Platelet Disorder with Propensity to Acute Myelogenous Leukemia; Familial thrombocytopenia with propensity to acute myelogenous leukemia; RUNX1 Familial Platelet Disorder with Associated Myeloid Malignancies; PLATELET DISORDER, ASPIRIN-LIKE. Identifiers: Orphanet 71290, MedGen C1832388, MeSH C563324, MONDO:0100083, OMIM 601399.
Hereditary thrombocytopenia and hematologic cancer predisposition syndrome. Identifiers: Orphanet 71290, MedGen CN281654, MONDO:0011071.
Inborn genetic diseases. Identifiers: MedGen C0950123, MeSH D030342.

Allele frequency attached by ClinVar (database versions not stated): TOPMed below 0.00001.

Submissions (3):

ClinGen Myeloid Malignancy Variant Curation Expert Panel
Classification: Uncertain significance for Hereditary thrombocytopenia and hematologic cancer predisposition syndrome. Last evaluated: 2024-08-16. Review status: reviewed by expert panel. Criteria: ClinGen MyeloMalig ACMG Specifications v2. Collection method: curation. Allele origin: germline. Inheritance: Autosomal dominant inheritance.
Comment: NM_001754.5(RUNX1):c.1070C>G (p.Pro357Arg) is a missense variant which is completely absent from all population databases with at least 20x coverage for RUNX1 (PM2_Supporting). In summary, the clinical significance of this variant is uncertain. ACMG/AMP criteria applied, as specified by the Myeloid Malignancy Variant Curation Expert Panel for RUNX1: PM2_supporting.

Labcorp Genetics (formerly Invitae), Labcorp
Classification: Uncertain significance for Hereditary thrombocytopenia and hematological cancer predisposition syndrome associated with RUNX1. Last evaluated: 2025-08-29. Review status: criteria provided, single submitter. Criteria: Invitae Variant Classification Sherloc (09022015). Collection method: clinical testing. Allele origin: germline. Not counted in ClinVar's aggregate classification.
Comment: This sequence change replaces proline, which is neutral and non-polar, with arginine, which is basic and polar, at codon 357 of the RUNX1 protein (p.Pro357Arg). The frequency data for this variant in the population databases is considered unreliable, as metrics indicate poor data quality at this position in the gnomAD database. This variant has not been reported in the literature in individuals affected with RUNX1-related conditions. ClinVar contains an entry for this variant (Variation ID: 959039). Invitae Evidence Modeling of protein sequence and biophysical properties (such as structural, functional, and spatial information, amino acid conservation, physicochemical variation, residue mobility, and thermodynamic stability) has been performed for this missense variant. However, the output from this modeling did not meet the statistical confidence thresholds required to predict the impact of this variant on RUNX1 protein function. In summary, the available evidence is currently insufficient to determine the role of this variant in disease. Therefore, it has been classified as a Variant of Uncertain Significance.

Ambry Genetics
Classification: Uncertain significance for Inborn genetic diseases. Last evaluated: 2025-03-25. Review status: criteria provided, single submitter. Criteria: Ambry Variant Classification Scheme 2023. Collection method: clinical testing. Allele origin: germline. Not counted in ClinVar's aggregate classification.